The following is an entry in ClinVar:

NM_014363.6(SACS):c.7991G>T (p.Gly2664Val)

Gene: SACS (sacsin molecular chaperone; minus strand). Cytogenetic location: 13q12.12.
Variant type: single nucleotide variant.
Coding change: c.7991G>T on transcript NM_014363.6 (MANE Select); coding-DNA position 7991, G replaced by T.
Protein change: p.Gly2664Val; replaces glycine 2664 with valine.
Molecular consequence: missense variant.
Genome position (GRCh38, 1-based): chr13:23,335,885, C>A on the plus strand (G>T on the coding strand, the complement: SACS is on the minus strand). VCF-style: chr13-23335885-C-A. GRCh37 (hg19) VCF-style: chr13-23910024-C-A.
Other names: c.7550G>T, p.Gly2517Val (NM_001278055.2); short protein forms G2664V, G2517V.
Identifiers: ClinVar variation 397520 (VCV000397520.2), dbSNP rs1060499656, ClinGen allele CA16609396.

ClinVar aggregate classification (germline): Likely pathogenic (1 of 4 stars; one submission).

Conditions:
Charlevoix-Saguenay spastic ataxia (SACS). Also called: AUTOSOMAL RECESSIVE SPASTIC ATAXIA OF CHARLEVOIX-SAGUENAY; SPASTIC ATAXIA 6, AUTOSOMAL RECESSIVE; Spastic ataxia of Charlevoix-Saguenay. Identifiers: Orphanet 98, MedGen C1849140, MONDO:0010041, OMIM 270550.

Submission:

Center of Genomic medicine, Geneva, University Hospital of Geneva
Classification: Likely pathogenic for Charlevoix-Saguenay spastic ataxia. Last evaluated: 2016-09-14. Review status: criteria provided, single submitter. Criteria: ACMG Guidelines, 2015. Collection method: clinical testing. Allele origin: inherited. Affected: yes.